The following is an entry in ClinVar:

ClinVar aggregate classification (germline): Uncertain significance (1 of 4 stars; one submission).

Conditions:
Hereditary cancer-predisposing syndrome. Also called: Neoplastic Syndromes, Hereditary; Tumor predisposition; Hereditary Cancer Syndrome; Hereditary neoplastic syndrome. Identifiers: Orphanet 140162, MedGen C0027672, MeSH D009386, MONDO:0015356.

gnomAD v4.1: 3 of 1,613,424 alleles (0.00019%); highest among the groups gnomAD compares: Non-Finnish European, 0.00025%; no homozygotes.

Submission:

Ambry Genetics
Classification: Uncertain significance for Hereditary cancer-predisposing syndrome. Last evaluated: 2024-10-12. Review status: criteria provided, single submitter. Criteria: Ambry Variant Classification Scheme 2023. Collection method: clinical testing. Allele origin: germline.
Comment: The p.C853F variant (also known as c.2558G>T), located in coding exon 25 of the RB1 gene, results from a G to T substitution at nucleotide position 2558. The cysteine at codon 853 is replaced by phenylalanine, an amino acid with highly dissimilar properties. This amino acid position is conserved. In addition, the in silico prediction for this alteration is inconclusive. Based on the available evidence, the clinical significance of this variant remains unclear.

NM_000321.3(RB1):c.2558G>T (p.Cys853Phe)

Gene: RB1 (RB transcriptional corepressor 1; plus strand). Cytogenetic location: 13q14.2.
Variant type: single nucleotide variant.
Coding change: c.2558G>T on transcript NM_000321.3 (MANE Select); coding-DNA position 2558, G replaced by T.
Protein change: p.Cys853Phe; replaces cysteine 853 with phenylalanine.
Molecular consequence: missense variant.
Genome position (GRCh38, 1-based): chr13:48,476,738, G>T. VCF-style: chr13-48476738-G-T. GRCh37 (hg19) VCF-style: chr13-49050874-G-T.
Other names: c.2558G>T, p.Cys853Phe (NM_001407165.1); c.8G>T, p.Cys3Phe (NM_001407168.1); short protein forms C853F, C3F.
Identifiers: ClinVar variation 3430903 (VCV003430903.1).